The following is an entry in ClinVar:

ClinVar aggregate classification (germline): Likely benign (1 of 4 stars; one submission).

Allele frequency attached by ClinVar (database versions not stated): TOPMed below 0.00001; ExAC 0.00001; gnomAD 0.00001; ESP Exome Variant Server 0.00008.
gnomAD v4.1: 7 of 1,614,062 alleles (0.00043%); highest among the groups gnomAD compares: Non-Finnish European, 0.00051%; no homozygotes.

Submission:

CeGaT Center for Human Genetics Tuebingen
Classification: Likely benign. Last evaluated: 2023-07-01. Review status: criteria provided, single submitter. Criteria: CeGaT Center For Human Genetics Tuebingen Variant Classification Criteria Version 2. Collection method: clinical testing. Allele origin: germline. Affected: yes. Observed: 1 variant allele.
Comment: MACF1: BP4, BP7

NM_001394062.1(MACF1):c.20367G>A (p.Gln6789=)

Gene: MACF1 (microtubule actin crosslinking factor 1; plus strand). Cytogenetic location: 1p34.3.
Variant type: single nucleotide variant.
Coding change: c.20367G>A on transcript NM_001394062.1 (MANE Select); coding-DNA position 20367, G replaced by A.
Protein change: p.Gln6789=; no amino-acid change (glutamine 6789 retained).
Molecular consequence: synonymous variant.
Genome position (GRCh38, 1-based): chr1:39,451,160, G>A. VCF-style: chr1-39451160-G-A. GRCh37 (hg19) VCF-style: chr1-39916832-G-A.
Other names: c.8445G>A, p.Gln2815= (NM_001397473.1); c.14190G>A, p.Gln4730= (NM_012090.5).
Identifiers: ClinVar variation 2578572 (VCV002578572.25), dbSNP rs367715036, ClinGen allele CA784358.